The following is an entry in ClinVar:

NM_001039591.3(USP9X):c.4132C>G (p.Leu1378Val)

Gene: USP9X (ubiquitin specific peptidase 9 X-linked; plus strand). Cytogenetic location: Xp11.4.
Variant type: single nucleotide variant.
Coding change: c.4132C>G on transcript NM_001039591.3 (MANE Select); coding-DNA position 4132, C replaced by G.
Protein change: p.Leu1378Val; replaces leucine 1378 with valine.
Molecular consequence: missense variant.
Genome position (GRCh38, 1-based): chrX:41,196,637, C>G. VCF-style: chrX-41196637-C-G. GRCh37 (hg19) VCF-style: chrX-41055890-C-G.
Other names: c.4132C>G, p.Leu1378Val (NM_001039590.3); c.4147C>G, p.Leu1383Val (NM_001410748.1, NM_001410749.1, NM_001437534.1); short protein forms L1378V, L1383V.
Identifiers: ClinVar variation 4879776 (VCV004879776.1).

ClinVar aggregate classification (germline): Uncertain significance (1 of 4 stars; one submission).

Conditions:
Intellectual developmental disorder, X-linked 99. Also called: Intellectual disability, X-linked 99. Identifiers: Orphanet 777, MedGen C3806746, MONDO:0010487, OMIM 300919.

Submission:

Victorian Clinical Genetics Services, Murdoch Childrens Research Institute
Classification: Uncertain significance for Intellectual developmental disorder, X-linked 99. Last evaluated: 2026-04-24. Review status: criteria provided, single submitter. Criteria: ACMG Guidelines, 2015. Collection method: clinical testing. Allele origin: germline. Affected: yes.
Comment: This variant is classified as VUS-3B. Evidence in support of pathogenic classification: Variant is present in gnomAD <0.01 (v2: 1 heterozygote(s), 0 homozygote(s), 0 hemizygote(s)). Additional information: Variant is predicted to result in a missense amino acid change from Leu to Val; This variant is hemizygous; This gene is associated with both X-linked recessive and X-linked dominant disease. Partial loss of function variants are inherited in a X-linked recessive pattern, affecting predominantly males. Complete loss of function variants are inherited in a X-linked dominant pattern and are more severe, affecting only females (PMID: 31443933, 26833328); This variant has no previous evidence of pathogenicity; No published evidence of segregation with disease has been identified for this variant; No published functional evidence has been identified for this variant; No comparable missense variants have previous evidence for pathogenicity; Variant is not located in an established domain, motif, hotspot or informative constraint region; Missense variant with inconclusive in silico prediction and/or uninformative conservation; Loss of function is a known mechanism of disease in this gene and is associated with X-linked intellectual developmental disorder 99 (MIM#300919), and X-linked syndromic female-restricted intellectual developmental disorder 99 (MIM#300968).

Literature cited by the submitters: PubMed 31443933; PubMed 26833328.